The following is an entry in ClinVar:

NM_006005.3(WFS1):c.768G>C (p.Lys256Asn)

Gene: WFS1 (wolframin ER transmembrane glycoprotein; plus strand). Cytogenetic location: 4p16.1.
Variant type: single nucleotide variant.
Coding change: c.768G>C on transcript NM_006005.3 (MANE Select); coding-DNA position 768, G replaced by C.
Protein change: p.Lys256Asn; replaces lysine 256 with asparagine.
Molecular consequence: missense variant.
Genome position (GRCh38, 1-based): chr4:6,295,096, G>C. VCF-style: chr4-6295096-G-C. GRCh37 (hg19) VCF-style: chr4-6296823-G-C.
Other names: c.768G>C, p.Lys256Asn (NM_001145853.1); short protein forms K256N.
Identifiers: ClinVar variation 3469931 (VCV003469931.2).
Genomic context (GRCh38, chr4:6,295,096, plus strand): 5'-TTCAGCCAAGAACTACATCGCGCTGGATGACTTTGTGGAGATCACTAAGAAGTACGCCAA[G>C]GGCGTCATCCCCAGCAGCCTGTTCCTGCAGGACGACGAAGATGATGACGAGCTGGCGGGG-3'
Protein context (NP_005996.2, residues 246-266): DFVEITKKYA[Lys256Asn]GVIPSSLFLQ

ClinVar aggregate classification (germline): Uncertain significance. Review status: criteria provided, multiple submitters, no conflicts (2 of 4 stars). 2 submissions from 2 submitters: Uncertain significance (2). Last evaluated 2025-08-01.

Conditions:
Inborn genetic diseases. Identifiers: MedGen C0950123, MeSH D030342.

Submissions (2):

Labcorp Genetics (formerly Invitae), Labcorp
Classification: Uncertain significance. Last evaluated: 2025-08-01. Review status: criteria provided, single submitter. Criteria: Invitae Variant Classification Sherloc (09022015). Collection method: clinical testing. Allele origin: germline.
Comment: This sequence change replaces lysine, which is basic and polar, with asparagine, which is neutral and polar, at codon 256 of the WFS1 protein (p.Lys256Asn). This variant is not present in population databases (gnomAD no frequency). This variant has not been reported in the literature in individuals affected with WFS1-related conditions. ClinVar contains an entry for this variant (Variation ID: 3469931). Invitae Evidence Modeling of protein sequence and biophysical properties (such as structural, functional, and spatial information, amino acid conservation, physicochemical variation, residue mobility, and thermodynamic stability) indicates that this missense variant is not expected to disrupt WFS1 protein function with a negative predictive value of 95%. In summary, the available evidence is currently insufficient to determine the role of this variant in disease. Therefore, it has been classified as a Variant of Uncertain Significance.

Ambry Genetics
Classification: Uncertain significance for Inborn genetic diseases. Last evaluated: 2024-10-25. Review status: criteria provided, single submitter. Criteria: Ambry Variant Classification Scheme 2023. Collection method: clinical testing. Allele origin: germline.